The following is an entry in ClinVar:

ClinVar aggregate classification (germline): Uncertain significance (1 of 4 stars; one submission).

Conditions:
Nemaline myopathy 10 (NEM10). Identifiers: MedGen C4015360, MONDO:0014513, OMIM 616165.

Allele frequency attached by ClinVar (database versions not stated): TOPMed 0.00001.

Submission:

Labcorp Genetics (formerly Invitae), Labcorp
Classification: Uncertain significance for Nemaline myopathy 10. Last evaluated: 2021-07-04. Review status: criteria provided, single submitter. Criteria: Invitae Variant Classification Sherloc (09022015). Collection method: clinical testing. Allele origin: germline.
Comment: This sequence change replaces phenylalanine with leucine at codon 321 of the LMOD3 protein (p.Phe321Leu). The phenylalanine residue is highly conserved and there is a small physicochemical difference between phenylalanine and leucine. This variant is not present in population databases (ExAC no frequency). This variant has not been reported in the literature in individuals affected with LMOD3-related conditions. Algorithms developed to predict the effect of missense changes on protein structure and function are either unavailable or do not agree on the potential impact of this missense change (SIFT: "Deleterious"; PolyPhen-2: "Possibly Damaging"; Align-GVGD: "Class C15"). In summary, the available evidence is currently insufficient to determine the role of this variant in disease. Therefore, it has been classified as a Variant of Uncertain Significance.

NM_198271.5(LMOD3):c.961T>C (p.Phe321Leu)

Gene: LMOD3 (leiomodin 3; minus strand). Cytogenetic location: 3p14.1.
Variant type: single nucleotide variant.
Coding change: c.961T>C on transcript NM_198271.5 (MANE Select); coding-DNA position 961, T replaced by C.
Protein change: p.Phe321Leu; replaces phenylalanine 321 with leucine.
Molecular consequence: missense variant.
Genome position (GRCh38, 1-based): chr3:69,119,394, A>G on the plus strand (T>C on the coding strand, the complement: LMOD3 is on the minus strand). VCF-style: chr3-69119394-A-G. GRCh37 (hg19) VCF-style: chr3-69168545-A-G.
Other names: c.961T>C, p.Phe321Leu (NM_001304418.3); short protein forms F321L.
Identifiers: ClinVar variation 1365795 (VCV001365795.8), dbSNP rs2092395041, ClinGen allele CA353473730.